The following is an entry in ClinVar:

ClinVar aggregate classification (germline): Pathogenic (1 of 4 stars; one submission).

Conditions:
Bloom syndrome (BLM). Also called: Bloom-Torre-Machacek syndrome. Identifiers: Orphanet 125, MedGen C0005859, MONDO:0008876, OMIM 210900.

Allele frequency attached by ClinVar (database versions not stated): gnomAD exomes below 0.00001; TOPMed below 0.00001; ExAC 0.00001.

Submission:

Labcorp Genetics (formerly Invitae), Labcorp
Classification: Pathogenic for Bloom syndrome. Last evaluated: 2026-01-23. Review status: criteria provided, single submitter. Criteria: Invitae Variant Classification Sherloc (09022015). Collection method: clinical testing. Allele origin: germline.
Comment: This sequence change creates a premature translational stop signal (p.Ile847Phefs*9) in the BLM gene. It is expected to result in an absent or disrupted protein product. Loss-of-function variants in BLM are known to be pathogenic (PMID: 17407155). This variant is present in population databases (rs770751979, gnomAD 0.0009%). This variant has not been reported in the literature in individuals affected with BLM-related conditions. ClinVar contains an entry for this variant (Variation ID: 524795). For these reasons, this variant has been classified as Pathogenic.

Literature cited by the submitters: PubMed 17407155.

NM_000057.4(BLM):c.2539del (p.Ile847fs)

Gene: BLM (BLM RecQ like helicase; plus strand). Cytogenetic location: 15q26.1.
Variant type: Deletion.
Coding change: c.2539del on transcript NM_000057.4 (MANE Select); coding-DNA position 2539, one base deleted (A; older notation c.2539delA).
Protein change: p.Ile847fs; shifts the reading frame from isoleucine 847.
Molecular consequence: frameshift variant.
Genome position (GRCh38, 1-based): chr15:90,769,570, A deleted. VCF-style (leftmost placement, unchanged base first): chr15-90769569-GA-G. GRCh37 (hg19) VCF-style: chr15-91312799-GA-G.
Other names: c.2539del, p.Ile847fs (NM_001287246.2, NM_001287247.2); c.1414del, p.Ile472fs (NM_001287248.2); short protein forms I847fs, I472fs.
Identifiers: ClinVar variation 524795 (VCV000524795.7), dbSNP rs770751979, ClinGen allele CA7738799.